The following is an entry in ClinVar:

NM_022168.4(IFIH1):c.1724C>T (p.Thr575Ile)

Gene: IFIH1 (interferon induced with helicase C domain 1; minus strand). Cytogenetic location: 2q24.2.
Variant type: single nucleotide variant.
Coding change: c.1724C>T on transcript NM_022168.4 (MANE Select); coding-DNA position 1724, C replaced by T.
Protein change: p.Thr575Ile; replaces threonine 575 with isoleucine.
Molecular consequence: missense variant.
Genome position (GRCh38, 1-based): chr2:162,278,246, G>A on the plus strand (C>T on the coding strand, the complement: IFIH1 is on the minus strand). VCF-style: chr2-162278246-G-A. GRCh37 (hg19) VCF-style: chr2-163134756-G-A.
Other names: short protein forms T575I.
Identifiers: ClinVar variation 2939169 (VCV002939169.3), dbSNP rs1334484311, ClinGen allele CA349000132.

ClinVar aggregate classification (germline): Uncertain significance (1 of 4 stars; one submission).

Conditions:
Singleton-Merten syndrome 1 (SGMRT1). Also called: Widened medullary cavities of bone, aortic calcification, abnormal dentition, and muscular weakness; Syndrome of widened medullary cavities of the metacarpals and phalanges, aortic calcification and abnormal dentition. Identifiers: Orphanet 85191, MedGen C4225427, MONDO:0024535, OMIM 182250.
Aicardi-Goutieres syndrome 7 (AGS7). Identifiers: Orphanet 51, MedGen C3888244, MONDO:0014367, OMIM 615846.

Submission:

Labcorp Genetics (formerly Invitae), Labcorp
Classification: Uncertain significance for Aicardi-Goutieres syndrome 7; Singleton-Merten syndrome 1. Last evaluated: 2023-11-27. Review status: criteria provided, single submitter. Criteria: Invitae Variant Classification Sherloc (09022015). Collection method: clinical testing. Allele origin: germline.
Comment: This sequence change replaces threonine, which is neutral and polar, with isoleucine, which is neutral and non-polar, at codon 575 of the IFIH1 protein (p.Thr575Ile). This variant is not present in population databases (gnomAD no frequency). This variant has not been reported in the literature in individuals affected with IFIH1-related conditions. Advanced modeling of protein sequence and biophysical properties (such as structural, functional, and spatial information, amino acid conservation, physicochemical variation, residue mobility, and thermodynamic stability) has been performed at Invitae for this missense variant, however the output from this modeling did not meet the statistical confidence thresholds required to predict the impact of this variant on IFIH1 protein function. In summary, the available evidence is currently insufficient to determine the role of this variant in disease. Therefore, it has been classified as a Variant of Uncertain Significance.